The following is an entry in ClinVar:

ClinVar aggregate classification (germline): Pathogenic (1 of 4 stars; one submission).

Conditions:
Familial hemophagocytic lymphohistiocytosis 3 (FHL3). Also called: UNC13D-Related Familial Hemophagocytic Lymphohistiocytosis (UNC13D-fHLH). Identifiers: Orphanet 540, MedGen C1837174, MONDO:0012146, OMIM 608898.

Submission:

Labcorp Genetics (formerly Invitae), Labcorp
Classification: Pathogenic for Familial hemophagocytic lymphohistiocytosis 3. Last evaluated: 2024-08-12. Review status: criteria provided, single submitter. Criteria: Invitae Variant Classification Sherloc (09022015). Collection method: clinical testing. Allele origin: germline.
Comment: This sequence change creates a premature translational stop signal (p.Ala730Profs*65) in the UNC13D gene. It is expected to result in an absent or disrupted protein product. Loss-of-function variants in UNC13D are known to be pathogenic (PMID: 14622600). This variant is not present in population databases (gnomAD no frequency). This variant has not been reported in the literature in individuals affected with UNC13D-related conditions. For these reasons, this variant has been classified as Pathogenic.

Literature cited by the submitters: PubMed 14622600.

NM_199242.3(UNC13D):c.2188del (p.Ala730fs)

Gene: UNC13D (unc-13 homolog D; minus strand). Cytogenetic location: 17q25.1.
Variant type: Deletion.
Coding change: c.2188del on transcript NM_199242.3 (MANE Select); coding-DNA position 2188, one base deleted (G; older notation c.2188delG).
Protein change: p.Ala730fs; shifts the reading frame from alanine 730.
Molecular consequence: frameshift variant.
Genome position (GRCh38, 1-based): chr17:75,834,435, C deleted on the plus strand (G on the coding strand, the reverse complement: UNC13D is on the minus strand); the first of 4 consecutive C bases (chr17:75,834,435-75,834,438); deleting any one gives the same sequence. VCF-style (leftmost placement, unchanged base first): chr17-75834434-GC-G. GRCh37 (hg19) VCF-style: chr17-73830515-GC-G.
Other names: short protein forms A730fs.
Identifiers: ClinVar variation 2805318 (VCV002805318.3), dbSNP rs2545980087, ClinGen allele CA2576392909.